The following is an entry in ClinVar:

NM_016628.5(WAC):c.1746+3_1746+6del

Gene: WAC (WW domain containing adaptor with coiled-coil; plus strand). Cytogenetic location: 10p12.1.
Variant type: Deletion.
Coding change: c.1746+3_1746+6del on transcript NM_016628.5 (MANE Select); bases 3 to 6 of the intron after coding-DNA position 1746, 4 bases deleted (ATGT; older notation c.1746+3_1746+6delATGT).
Molecular consequence: splice donor variant.
Genome position (GRCh38, 1-based): chr10:28,616,365-28,616,368, ATGT deleted; deleting any 4 consecutive bases within chr10:28,616,363-28,616,368 gives the same sequence; the c. name uses the placement nearest the transcript's 3' end. VCF-style (leftmost placement, unchanged base first): chr10-28616362-GGTAT-G. GRCh37 (hg19) VCF-style: chr10-28905291-GGTAT-G.
Other names: c.1611+3_1611+6del (NM_100264.3); c.1437+3_1437+6del (NM_100486.4).
Identifiers: ClinVar variation 2581921 (VCV002581921.1), dbSNP rs2492211480, ClinGen allele CA2582342674.
Genomic context (GRCh38, chr10:28,616,362, plus strand): 5'-CTTCAGTGAAAATCTCATAAAACACGTTCAAGGATGGCCTGCAGATCATGCAGAGAAGCA[GGTAT>G]GTTATGTACAGCCTAGATTTTACCTTTGGATGATTAGCAAAACAGAATTTAATCAACTTC-3'

ClinVar aggregate classification (germline): Uncertain significance (1 of 4 stars; one submission).

Submission:

GeneDx
Classification: Uncertain significance. Last evaluated: 2023-03-30. Review status: criteria provided, single submitter. Criteria: GeneDx Variant Classification Process June 2021. Collection method: clinical testing. Allele origin: germline. Affected: yes.
Comment: Not observed at significant frequency in large population cohorts (gnomAD); In silico analysis supports a deleterious effect on splicing; Has not been previously published as pathogenic or benign to our knowledge